The following is an entry in ClinVar:

ClinVar aggregate classification (germline): Uncertain significance. Review status: criteria provided, multiple submitters, no conflicts (2 of 4 stars). 2 submissions from 2 submitters: Uncertain significance (2). Last evaluated 2023-01-01.

Conditions:
Kabuki syndrome 1 (KABUK1). Also called: KMT2D-Related Kabuki Syndrome. Identifiers: Orphanet 2322, MedGen CN030661, MONDO:0007843, OMIM 147920.

Allele frequency attached by ClinVar (database versions not stated): TOPMed below 0.00001; gnomAD exomes 0.00001.
gnomAD v4.1: 7 of 1,553,158 alleles (0.00045%); highest among the groups gnomAD compares: Non-Finnish European, 0.00061%; no homozygotes.

Submissions (2):

CeGaT Center for Human Genetics Tuebingen
Classification: Uncertain significance. Last evaluated: 2023-01-01. Review status: criteria provided, single submitter. Criteria: CeGaT Center For Human Genetics Tuebingen Variant Classification Criteria Version 2. Collection method: clinical testing. Allele origin: germline. Affected: yes. Observed: 1 variant allele.
Comment: KMT2D: PM2, PP2, BP4

Centre for Mendelian Genomics, University Medical Centre Ljubljana
Classification: Uncertain significance for Kabuki syndrome 1. Last evaluated: 2018-11-21. Review status: criteria provided, single submitter. Criteria: ACMG Guidelines, 2015. Collection method: clinical testing. Allele origin: unknown. Affected: yes.
Comment: This variant was classified as: Uncertain significance. The available evidence on this variant's pathogenicity is insufficient or conflicting. The following ACMG criteria were applied in classifying this variant: PM2,BP4.

NM_003482.4(KMT2D):c.14002A>T (p.Thr4668Ser)

Gene: KMT2D (lysine methyltransferase 2D; minus strand). Cytogenetic location: 12q13.12.
Variant type: single nucleotide variant.
Coding change: c.14002A>T on transcript NM_003482.4 (MANE Select); coding-DNA position 14002, A replaced by T.
Protein change: p.Thr4668Ser; replaces threonine 4668 with serine.
Molecular consequence: missense variant.
Genome position (GRCh38, 1-based): chr12:49,029,474, T>A on the plus strand (A>T on the coding strand, the complement: KMT2D is on the minus strand). VCF-style: chr12-49029474-T-A. GRCh37 (hg19) VCF-style: chr12-49423257-T-A.
Other names: short protein forms T4668S.
Identifiers: ClinVar variation 931409 (VCV000931409.27), dbSNP rs946513897, ClinGen allele CA236636860.
Genomic context (GRCh38, chr12:49,029,474, plus strand): 5'-TCTGATTGTGAGGGGGTGTAGGCAAGGCAGCCAGCAGGTCTAGACTCTTCACCTCTGAAG[T>A]ATCTGAGGGGTGGGTAGGGAGAAGAAAAGTCAGGTGAGGGTGGCCAGGGCTGATGGTACC-3'
Protein context (NP_003473.3, residues 4658-4678): ARDSERALRD[Thr4668Ser]SEVKSLDLLA